The following is an entry in ClinVar:

NM_172362.3(KCNH1):c.1927G>C (p.Val643Leu)

Gene: KCNH1 (potassium voltage-gated channel subfamily H member 1; minus strand). Cytogenetic location: 1q32.2.
Variant type: single nucleotide variant.
Coding change: c.1927G>C on transcript NM_172362.3 (MANE Select); coding-DNA position 1927, G replaced by C.
Protein change: p.Val643Leu; replaces valine 643 with leucine.
Molecular consequence: missense variant.
Genome position (GRCh38, 1-based): chr1:210,775,533, C>G on the plus strand (G>C on the coding strand, the complement: KCNH1 is on the minus strand). VCF-style: chr1-210775533-C-G. GRCh37 (hg19) VCF-style: chr1-210948875-C-G.
Other names: c.1846G>C, p.Val616Leu (NM_002238.4); short protein forms V616L, V643L.
Identifiers: ClinVar variation 2068879 (VCV002068879.4), dbSNP rs1453125630, ClinGen allele CA344872284.

ClinVar aggregate classification (germline): Uncertain significance (1 of 4 stars; one submission).

Submission:

Labcorp Genetics (formerly Invitae), Labcorp
Classification: Uncertain significance. Last evaluated: 2024-08-13. Review status: criteria provided, single submitter. Criteria: Invitae Variant Classification Sherloc (09022015). Collection method: clinical testing. Allele origin: germline.
Comment: This sequence change replaces valine, which is neutral and non-polar, with leucine, which is neutral and non-polar, at codon 643 of the KCNH1 protein (p.Val643Leu). This variant is not present in population databases (gnomAD no frequency). This variant has not been reported in the literature in individuals affected with KCNH1-related conditions. ClinVar contains an entry for this variant (Variation ID: 2068879). Advanced modeling of protein sequence and biophysical properties (such as structural, functional, and spatial information, amino acid conservation, physicochemical variation, residue mobility, and thermodynamic stability) has been performed at Invitae for this missense variant, however the output from this modeling did not meet the statistical confidence thresholds required to predict the impact of this variant on KCNH1 protein function. In summary, the available evidence is currently insufficient to determine the role of this variant in disease. Therefore, it has been classified as a Variant of Uncertain Significance.